The following is an entry in ClinVar:

ClinVar aggregate classification (germline): Likely pathogenic. Review status: criteria provided, multiple submitters, no conflicts (2 of 4 stars). 4 submissions from 4 submitters: Likely pathogenic (4). Last evaluated 2024-06-11.

Conditions:
Dilated cardiomyopathy 1GG (CMD1GG). Identifiers: Orphanet 154, MedGen C3150898, MONDO:0013339, OMIM 613642.
Pheochromocytoma/paraganglioma syndrome 5. Also called: Paragangliomas 5; SDHA-Related Hereditary Paraganglioma-Pheochromocytoma Syndrome. Identifiers: Orphanet 29072, MedGen C3279992, MONDO:0013602, OMIM 614165.
Mitochondrial complex II deficiency, nuclear type 1. Also called: SUCCINATE CoQ REDUCTASE DEFICIENCY. Identifiers: Orphanet 3208, MedGen C5700310, MONDO:0100294, OMIM 252011.
Hereditary cancer-predisposing syndrome. Also called: Tumor predisposition; Hereditary neoplastic syndrome; Neoplastic Syndromes, Hereditary; Hereditary Cancer Syndrome. Identifiers: Orphanet 140162, MedGen C0027672, MeSH D009386, MONDO:0015356.

Submissions (4):

Labcorp Genetics (formerly Invitae), Labcorp
Classification: Likely pathogenic for Pheochromocytoma/paraganglioma syndrome 5; Mitochondrial complex II deficiency, nuclear type 1. Last evaluated: 2024-06-11. Review status: criteria provided, single submitter. Criteria: Invitae Variant Classification Sherloc (09022015). Collection method: clinical testing. Allele origin: germline.
Comment: This sequence change affects a splice site in intron 10 of the SDHA gene. It is expected to disrupt RNA splicing. Variants that disrupt the donor or acceptor splice site typically lead to a loss of protein function (PMID: 16199547), and loss-of-function variants in SDHA are known to be pathogenic (PMID: 22974104, 24781757). Information on the frequency of this variant in the gnomAD database is not available, as this variant may be reported differently in the database. This variant has not been reported in the literature in individuals affected with SDHA-related conditions. ClinVar contains an entry for this variant (Variation ID: 819198). In summary, the currently available evidence indicates that the variant is pathogenic, but additional data are needed to prove that conclusively. Therefore, this variant has been classified as Likely Pathogenic.

Myriad Genetics, Inc.
Classification: Likely pathogenic for Pheochromocytoma/paraganglioma syndrome 5. Last evaluated: 2024-02-08. Review status: criteria provided, single submitter. Criteria: Myriad Autosomal Dominant, Autosomal Recessive and X-Linked Classification Criteria (2023). Collection method: clinical testing. Allele origin: unknown.
Comment: This variant is considered likely pathogenic. This variant occurs within a consensus splice junction and is predicted to result in abnormal mRNA splicing of either an out-of-frame exon or an in-frame exon necessary for protein stability and/or normal function.

Baylor Genetics
Classification: Likely pathogenic for Dilated cardiomyopathy 1GG. Last evaluated: 2023-10-24. Review status: criteria provided, single submitter. Criteria: ACMG Guidelines, 2015. Collection method: clinical testing. Allele origin: unknown.

Ambry Genetics
Classification: Likely pathogenic for Hereditary cancer-predisposing syndrome. Last evaluated: 2018-02-07. Review status: criteria provided, single submitter. Criteria: Ambry Variant Classification Scheme 2023. Collection method: clinical testing. Allele origin: germline.
Comment: The c.1432+1_1432+2delGTinsAG intronic variant, located in intron 10 of the SDHA gene, results from an in-frame from the deletion of two nucleotides and the insertion of two nucleotides at nucleotide position 1432. This nucleotide region is highly conserved in available vertebrate species. Using the BDGP and ESEfinder splice site prediction tools, this alteration is predicted to abolish the native splice donor site; however, direct evidence is unavailable. Alterations that disrupt the canonical splice site are expected to cause aberrant splicing, resulting in an abnormal protein or a transcript that is subject to nonsense-mediated mRNA decay. As such, this alteration is classified as likely pathogenic.

Literature cited by the submitters: PubMed 16199547 (cited by Labcorp Genetics (formerly Invitae), Labcorp); PubMed 22974104 (cited by Labcorp Genetics (formerly Invitae), Labcorp); PubMed 24781757 (cited by Labcorp Genetics (formerly Invitae), Labcorp).

NM_004168.4(SDHA):c.1432+1_1432+2delinsAG

Gene: SDHA (succinate dehydrogenase complex flavoprotein subunit A; plus strand). Cytogenetic location: 5p15.33.
Variant type: Indel.
Coding change: c.1432+1_1432+2delinsAG on transcript NM_004168.4 (MANE Select); the canonical splice donor site of the intron after coding-DNA position 1432, GT replaced by AG.
Molecular consequence: splice donor variant.
Genome position (GRCh38, 1-based): chr5:236,600-236,601, GT replaced by AG. VCF-style: chr5-236600-GT-AG. GRCh37 (hg19) VCF-style: chr5-236715-GT-AG.
Other names: c.1432+1_1432+2delinsAG (NM_001330758.2); c.1288+1_1288+2delinsAG (NM_001294332.2).
Identifiers: ClinVar variation 819198 (VCV000819198.7), dbSNP rs1579410180, ClinGen allele CA915943269.